The following is an entry in ClinVar:

NM_017763.6(RNF43):c.1252C>A (p.Leu418Met)

Gene: RNF43 (ring finger protein 43; minus strand). Cytogenetic location: 17q22.
Variant type: single nucleotide variant.
Coding change: c.1252C>A on transcript NM_017763.6 (MANE Select); coding-DNA position 1252, C replaced by A.
Protein change: p.Leu418Met; replaces leucine 418 with methionine.
Molecular consequence: missense variant.
Genome position (GRCh38, 1-based): chr17:58,358,524, G>T on the plus strand (C>A on the coding strand, the complement: RNF43 is on the minus strand). VCF-style: chr17-58358524-G-T. GRCh37 (hg19) VCF-style: chr17-56435885-G-T.
Other names: c.1252C>A, p.Leu418Met (NM_001305544.3); c.871C>A, p.Leu291Met (NM_001305545.2); short protein forms L418M, L291M.
Identifiers: ClinVar variation 403384 (VCV000403384.22), dbSNP rs2526374, ClinGen allele CA8673209.

ClinVar aggregate classification (germline): Benign. Review status: criteria provided, multiple submitters, no conflicts (2 of 4 stars). 11 submissions from 11 submitters: Benign (9). 2 of the submissions do not count toward it. Last evaluated 2026-07-01.

Conditions:
Hereditary cancer-predisposing syndrome. Also called: Hereditary Cancer Syndrome; Hereditary neoplastic syndrome; Neoplastic Syndromes, Hereditary; Tumor predisposition. Identifiers: Orphanet 140162, MedGen C0027672, MeSH D009386, MONDO:0015356.
Sessile serrated polyposis cancer syndrome (SSPCS). Identifiers: Orphanet 157798, MedGen C4310714, MONDO:0014919, OMIM 617108.

Allele frequency attached by ClinVar (database versions not stated): gnomAD exomes 0.39503 and 0.36985; ExAC 0.39720; 1000 Genomes Project 0.39956; 1000 Genomes Project 30x 0.40006; ESP Exome Variant Server 0.37375; gnomAD 0.37751 and 0.37831; TOPMed 0.39128.

Submissions (11):

Myriad Genetics, Inc.
Classification: Benign for Sessile serrated polyposis cancer syndrome. Last evaluated: 2026-07-01. Review status: criteria provided, single submitter. Criteria: Myriad Autosomal Dominant, Autosomal Recessive and X-Linked Classification Criteria (2023). Collection method: clinical testing. Allele origin: unknown.
Comment: This variant is considered benign. This variant has been observed at a population frequency that is significantly greater than expected given the associated disease prevalence and penetrance.

Labcorp Genetics (formerly Invitae), Labcorp
Classification: Benign. Last evaluated: 2026-02-04. Review status: criteria provided, single submitter. Criteria: Invitae Variant Classification Sherloc (09022015). Collection method: clinical testing. Allele origin: germline.

GeneKor MSA
Classification: Benign for Hereditary cancer-predisposing syndrome. Last evaluated: 2025-07-10. Review status: criteria provided, single submitter. Criteria: ACMG Guidelines, 2015. Collection method: clinical testing. Allele origin: germline.

Blueprint Genetics
Classification: Benign. Last evaluated: 2024-11-28. Review status: criteria provided, single submitter. Criteria: ACMG Guidelines, 2015. Collection method: clinical testing. Allele origin: germline.

Ambry Genetics
Classification: Benign. Last evaluated: 2024-10-18. Review status: criteria provided, single submitter. Criteria: Ambry Variant Classification Scheme 2023. Collection method: clinical testing. Allele origin: germline.

Mayo Clinic Laboratories, Mayo Clinic
Classification: Benign. Last evaluated: 2022-05-05. Review status: criteria provided, single submitter. Criteria: ACMG Guidelines, 2015. Collection method: clinical testing. Allele origin: germline. Observed: 313 variant alleles.

GeneDx
Classification: Benign. Last evaluated: 2019-06-14. Review status: criteria provided, single submitter. Criteria: GeneDx Variant Classification Process June 2021. Collection method: clinical testing. Allele origin: germline. Affected: yes.

Laboratory for Molecular Medicine, Mass General Brigham Personalized Medicine
Classification: Benign. Last evaluated: 2016-03-29. Review status: criteria provided, single submitter. Criteria: LMM Criteria. Collection method: clinical testing. Allele origin: germline.
Comment: Variant identified in a genome or exome case(s) and assessed due to predicted null impact of the variant or pathogenic assertions in the literature or databases. Disclaimer: This variant has not undergone full assessment. The following are preliminary notes: Frequency

Breakthrough Genomics
Classification: Benign. Review status: criteria provided, single submitter. Criteria: ACMG Guidelines, 2015. Collection method: not provided. Allele origin: germline. Inheritance: Autosomal dominant inheritance. Affected: yes.

Clinical Genetics DNA and cytogenetics Diagnostics Lab, Erasmus MC, Erasmus Medical Center
Classification: Benign. Review status: no assertion criteria provided. Collection method: clinical testing. Allele origin: germline. Affected: yes. Study: VKGL Data-share Consensus. Not counted in ClinVar's aggregate classification.

Clinical Genetics, Academic Medical Center
Classification: Benign. Review status: no assertion criteria provided. Collection method: clinical testing. Allele origin: germline. Affected: yes. Study: VKGL Data-share Consensus. Not counted in ClinVar's aggregate classification.